The following is an entry in ClinVar:

NM_001286611.2(REPS1):c.682G>A (p.Glu228Lys)

Gene: REPS1 (RALBP1 associated Eps domain containing 1; minus strand). Cytogenetic location: 6q24.1.
Variant type: single nucleotide variant.
Coding change: c.682G>A on transcript NM_001286611.2 (MANE Select); coding-DNA position 682, G replaced by A.
Protein change: p.Glu228Lys; replaces glutamic acid 228 with lysine.
Molecular consequence: missense variant.
Genome position (GRCh38, 1-based): chr6:138,944,569, C>T on the plus strand (G>A on the coding strand, the complement: REPS1 is on the minus strand). VCF-style: chr6-138944569-C-T. GRCh37 (hg19) VCF-style: chr6-139265706-C-T.
Other names: c.682G>A, p.Glu228Lys (NM_001128617.3, NM_001286612.2, NM_031922.5); short protein forms E228K.
Identifiers: ClinVar variation 2117900 (VCV002117900.4), dbSNP rs2483014898, ClinGen allele CA365814588.
Genomic context (GRCh38, chr6:138,944,569, plus strand): 5'-CAGGATGCATGGTTAAAAGAGTACTGGTTGGTGGAGTATCTGCAAAACTGACCCAGTTTT[C>T]TTGAGGTGGAGGTGGGGAATGCCCTGACCACACTGCATCACCAGCAGAAGAACCTATAAG-3'
Protein context (NP_001273540.1, residues 218-238): WSGHSPPPPQ[Glu228Lys]NWVSFADTPP

ClinVar aggregate classification (germline): Uncertain significance (1 of 4 stars; one submission).

Submission:

Labcorp Genetics (formerly Invitae), Labcorp
Classification: Uncertain significance. Last evaluated: 2022-08-16. Review status: criteria provided, single submitter. Criteria: Invitae Variant Classification Sherloc (09022015). Collection method: clinical testing. Allele origin: germline.
Comment: In summary, the available evidence is currently insufficient to determine the role of this variant in disease. Therefore, it has been classified as a Variant of Uncertain Significance. Algorithms developed to predict the effect of sequence changes on RNA splicing suggest that this variant may disrupt the consensus splice site. Algorithms developed to predict the effect of missense changes on protein structure and function are either unavailable or do not agree on the potential impact of this missense change (SIFT: "Deleterious"; PolyPhen-2: "Benign"; Align-GVGD: "Class C0"). This variant has not been reported in the literature in individuals affected with REPS1-related conditions. This variant is not present in population databases (gnomAD no frequency). This sequence change replaces glutamic acid, which is acidic and polar, with lysine, which is basic and polar, at codon 228 of the REPS1 protein (p.Glu228Lys).